The following is an entry in ClinVar:

ClinVar aggregate classification (germline): Uncertain significance (1 of 4 stars; one submission).

Conditions:
Familial cancer of breast. Also called: Hereditary breast cancer; hereditary breast carcinoma; BREAST CANCER, FAMILIAL. Identifiers: Orphanet 227535, MedGen C0346153, MONDO:0016419, OMIM 114480. Disease mechanism: loss of function.

Submission:

Labcorp Genetics (formerly Invitae), Labcorp
Classification: Uncertain significance for Familial cancer of breast. Last evaluated: 2024-10-29. Review status: criteria provided, single submitter. Criteria: Invitae Variant Classification Sherloc (09022015). Collection method: clinical testing. Allele origin: germline.
Comment: This variant, c.1042_1044del, results in the deletion of 1 amino acid(s) of the BARD1 protein (p.Val348del), but otherwise preserves the integrity of the reading frame. This variant is not present in population databases (gnomAD no frequency). This variant has not been reported in the literature in individuals affected with BARD1-related conditions. Experimental studies and prediction algorithms are not available or were not evaluated, and the functional significance of this variant is currently unknown. In summary, the available evidence is currently insufficient to determine the role of this variant in disease. Therefore, it has been classified as a Variant of Uncertain Significance.

NM_000465.4(BARD1):c.1042_1044del (p.Val348del)

Gene: BARD1 (BRCA1 associated RING domain 1; minus strand). Cytogenetic location: 2q35.
Variant type: Deletion.
Coding change: c.1042_1044del on transcript NM_000465.4 (MANE Select); coding-DNA positions 1042 to 1044, 3 bases deleted (GTT; older notation c.1042_1044delGTT).
Protein change: p.Val348del; deletes valine 348.
Molecular consequence: non-coding transcript variant (on NR_104212.2). On other transcripts: intron variant (3).
Genome position (GRCh38, 1-based): chr2:214,780,830-214,780,832, AAC deleted on the plus strand (GTT on the coding strand, the reverse complement: BARD1 is on the minus strand); deleting any 3 consecutive bases within chr2:214,780,830-214,780,834 gives the same sequence; the c. name uses the placement nearest the transcript's 3' end. VCF-style (leftmost placement, unchanged base first): chr2-214780829-TAAC-T. GRCh37 (hg19) VCF-style: chr2-215645553-TAAC-T.
Other names: c.985_987del, p.Val329del (NM_001282543.2); c.159-28277_159-28275del (NM_001282548.2); c.215+16229_215+16231del (NM_001282545.2); c.364+11465_364+11467del (NM_001282549.2); short protein forms V348del, V329del.
Identifiers: ClinVar variation 3658844 (VCV003658844.2).
Genomic context (GRCh38, chr2:214,780,829, plus strand): 5'-TGCATGAAGGTGGTGAAGAACATTCAGGCAATGGTATATTTTCTGAGGGCACCGTTTGCT[TAAC>T]AAAATCTCCACTGGTGCTCAGAATGCTGGTTCTACATCTCTTAGAAATGGGACTGGAAAG-3'